The following is an entry in ClinVar:

ClinVar aggregate classification (germline): Benign/Likely benign. Review status: criteria provided, multiple submitters, no conflicts (2 of 4 stars). 9 submissions from 9 submitters: Benign (3); Likely benign (5). 1 of the submissions does not count toward it. Last evaluated 2026-02-04.

Conditions:
ABCG8-related disorder. Also called: ABCG8-related condition.
Sitosterolemia 1. Identifiers: MedGen C2749759, MONDO:0020747, OMIM 210250.
Cardiovascular phenotype. Identifiers: MedGen CN230736.

Allele frequency attached by ClinVar (database versions not stated): gnomAD exomes 0.00072 and 0.00201; ExAC 0.00242; 1000 Genomes Project 0.00779; ESP Exome Variant Server 0.00807; 1000 Genomes Project 30x 0.00828; gnomAD 0.00831 and 0.00892; TOPMed 0.00894.
gnomAD v4.1: 2,372 of 1,614,146 alleles (0.15%); highest among the groups gnomAD compares: African/African-American, 2.8%; 27 homozygotes.

Submissions (9):

Labcorp Genetics (formerly Invitae), Labcorp
Classification: Benign. Last evaluated: 2026-02-04. Review status: criteria provided, single submitter. Criteria: Invitae Variant Classification Sherloc (09022015). Collection method: clinical testing. Allele origin: germline.

Genomic Medicine Center of Excellence, King Faisal Specialist Hospital and Research Centre
Classification: Likely benign. Last evaluated: 2025-08-18. Review status: criteria provided, single submitter. Criteria: ACMG Guidelines, 2015. Collection method: clinical testing. Allele origin: germline.

Women's Health and Genetics/Laboratory Corporation of America, LabCorp
Classification: Likely benign. Last evaluated: 2024-07-29. Review status: criteria provided, single submitter. Criteria: LabCorp Variant Classification Summary - May 2015. Collection method: clinical testing. Allele origin: germline.
Comment: Variant summary: ABCG8 c.94A>G (p.Ser32Gly) results in a non-conservative amino acid change in the encoded protein sequence. Four of five in-silico tools predict a benign effect of the variant on protein function. The variant allele was found at a frequency of 0.002 in 251400 control chromosomes, predominantly at a frequency of 0.028 within the African or African-American subpopulation in the gnomAD database, including 4 homozygotes. The observed variant frequency within African or African-American control individuals in the gnomAD database is approximately 5.6 fold of the estimated maximal expected allele frequency for a pathogenic variant in ABCG8 causing Early Onset Coronary Artery Disease phenotype (0.005). To our knowledge, no occurrence of c.94A>G in individuals affected with Early Onset Coronary Artery Disease and no experimental evidence demonstrating its impact on protein function have been reported. ClinVar contains an entry for this variant (Variation ID: 336063). Based on the evidence outlined above, the variant was classified as likely benign.

Mayo Clinic Laboratories, Mayo Clinic
Classification: Benign. Last evaluated: 2024-05-08. Review status: criteria provided, single submitter. Criteria: ACMG Guidelines, 2015. Collection method: clinical testing. Allele origin: germline. Observed: 19 variant alleles.
Comment: BS1, BS2, BP4

GeneDx
Classification: Likely benign. Last evaluated: 2023-10-17. Review status: criteria provided, single submitter. Criteria: GeneDx Variant Classification Process June 2021. Collection method: clinical testing. Allele origin: germline. Affected: yes.
Comment: See Variant Classification Assertion Criteria.

Ambry Genetics
Classification: Likely benign for Cardiovascular phenotype. Last evaluated: 2020-01-17. Review status: criteria provided, single submitter. Criteria: Ambry Variant Classification Scheme 2023. Collection method: clinical testing. Allele origin: germline.

Illumina Laboratory Services, Illumina
Classification: Benign for Sitosterolemia 1. Last evaluated: 2018-01-13. Review status: criteria provided, single submitter. Criteria: ICSL Variant Classification Criteria 13 December 2019. Collection method: clinical testing. Allele origin: germline.
Comment: This variant was observed in the ICSL laboratory as part of a predisposition screen in an ostensibly healthy population. It had not been previously curated by ICSL or reported in the Human Gene Mutation Database (HGMD: prior to June 1st, 2018), and was therefore a candidate for classification through an automated scoring system. Utilizing variant allele frequency, disease prevalence and penetrance estimates, and inheritance mode, an automated score was calculated to assess if this variant is too frequent to cause the disease. Based on the score and internal cut-off values, a variant classified as benign is not then subjected to further curation. The score for this variant resulted in a classification of benign for this disease.

Breakthrough Genomics
Classification: Likely benign. Review status: criteria provided, single submitter. Criteria: ACMG Guidelines, 2015. Collection method: not provided. Allele origin: germline. Inheritance: Autosomal recessive inheritance. Affected: yes.

PreventionGenetics, part of Exact Sciences
Classification: Benign for ABCG8-related condition. Last evaluated: 2019-05-23. Review status: no assertion criteria provided. Collection method: clinical testing. Allele origin: germline. Not counted in ClinVar's aggregate classification.
Comment: This variant is classified as benign based on ACMG/AMP sequence variant interpretation guidelines (Richards et al. 2015 PMID: 25741868, with internal and published modifications).

Literature cited by the submitters: PubMed 32088153 (cited by Mayo Clinic Laboratories, Mayo Clinic).

NM_022437.3(ABCG8):c.94A>G (p.Ser32Gly)

Gene: ABCG8 (ATP binding cassette subfamily G member 8; plus strand). Cytogenetic location: 2p21.
Variant type: single nucleotide variant.
Coding change: c.94A>G on transcript NM_022437.3 (MANE Select); coding-DNA position 94, A replaced by G.
Protein change: p.Ser32Gly; replaces serine 32 with glycine.
Molecular consequence: missense variant.
Genome position (GRCh38, 1-based): chr2:43,844,537, A>G. VCF-style: chr2-43844537-A-G. GRCh37 (hg19) VCF-style: chr2-44071676-A-G.
Other names: p.Ser32Gly; c.94A>G, p.Ser32Gly (NM_001357321.2); short protein forms S32G.
Identifiers: ClinVar variation 336063 (VCV000336063.26), dbSNP rs148370122, ClinGen allele CA1636886.
Genomic context (GRCh38, chr2:43,844,537, plus strand): 5'-GGAGCCCCTCATCTCTCCTGTCTCCCACAGGGCCTCCAGGATAGATTGTTCTCCTCTGAA[A>G]GTGACAACAGCCTGTACTTCACCTACAGTGGCCAGCCCAACACCCTGGAGGTCAGAGACC-3'
Protein context (NP_071882.1, residues 22-42): GLQDRLFSSE[Ser32Gly]DNSLYFTYSG